The following is an entry in ClinVar:

NM_001148.6(ANK2):c.9825T>G (p.Asp3275Glu)

Gene: ANK2 (ankyrin 2; plus strand). Cytogenetic location: 4q26.
Variant type: single nucleotide variant.
Coding change: c.9825T>G on transcript NM_001148.6 (MANE Select); coding-DNA position 9825, T replaced by G.
Protein change: p.Asp3275Glu; replaces aspartic acid 3275 with glutamic acid.
Molecular consequence: missense variant. On other transcripts: intron variant (68).
Genome position (GRCh38, 1-based): chr4:113,358,443, T>G. VCF-style: chr4-113358443-T-G. GRCh37 (hg19) VCF-style: chr4-114279599-T-G.
Other names: c.9591T>G, p.Asp3197Glu (NM_001386142.1); c.6225T>G, p.Asp2075Glu (NM_001386166.1); c.9966T>G, p.Asp3322Glu (NM_001386174.1); c.9942T>G, p.Asp3314Glu (NM_001386175.1); c.4412-2380T>G (NM_001386186.2, NM_001386148.2); c.4214-2380T>G (NM_001354269.3); c.4292-2380T>G (NM_001386187.2); c.4253-2380T>G (NM_001386147.1); and 35 more; short protein forms D3275E, D2075E, D3197E, D3314E, D3322E.
Identifiers: ClinVar variation 263634 (VCV000263634.31), dbSNP rs149043752, ClinGen allele CA3051987.

ClinVar aggregate classification (germline): Conflicting classifications of pathogenicity. Review status: criteria provided, conflicting classifications (1 of 4 stars). 5 submissions from 5 submitters: Uncertain significance (1); Benign (1); Likely benign (3). Last evaluated 2025-12-23.

Conditions:
Cardiovascular phenotype. Identifiers: MedGen CN230736.
Long QT syndrome (LQTS). Identifiers: MedGen C0023976, MeSH D008133, MONDO:0002442. Disease mechanism: loss of function. Inheritance: Various modes of inheritance.

Allele frequency attached by ClinVar (database versions not stated): gnomAD 0.00025 and 0.00029; TOPMed 0.00025; gnomAD exomes 0.00030 and 0.00043; ESP Exome Variant Server 0.00031; ExAC 0.00035.
gnomAD v4.1: 672 of 1,613,984 alleles (0.042%); highest among the groups gnomAD compares: Non-Finnish European, 0.051%; no homozygotes.

Submissions (5):

Labcorp Genetics (formerly Invitae), Labcorp
Classification: Benign for Long QT syndrome. Last evaluated: 2025-12-23. Review status: criteria provided, single submitter. Criteria: Invitae Variant Classification Sherloc (09022015). Collection method: clinical testing. Allele origin: germline.

Women's Health and Genetics/Laboratory Corporation of America, LabCorp
Classification: Likely benign. Last evaluated: 2025-04-25. Review status: criteria provided, single submitter. Criteria: LabCorp Variant Classification Summary - May 2015. Collection method: clinical testing. Allele origin: germline.
Comment: Variant summary: ANK2 c.9825T>G (p.Asp3275Glu) results in a conservative amino acid change in the encoded protein sequence. Four of five in-silico tools predict a benign effect of the variant on protein function. The variant allele was found at a frequency of 0.0003 in 250604 control chromosomes. The observed variant frequency is approximately 45 fold of the estimated maximal expected allele frequency for a pathogenic variant in ANK2 causing Long QT Syndrome phenotype (6.7e-06). To our knowledge, no occurrence of c.9825T>G in individuals affected with Long QT Syndrome and no experimental evidence demonstrating its impact on protein function have been reported. ClinVar contains an entry for this variant (Variation ID: 263634). Based on the evidence outlined above, the variant was classified as likely benign.

Blueprint Genetics
Classification: Likely benign. Last evaluated: 2024-11-11. Review status: criteria provided, single submitter. Criteria: ACMG Guidelines, 2015. Collection method: clinical testing. Allele origin: germline.

GeneDx
Classification: Uncertain significance. Last evaluated: 2023-12-14. Review status: criteria provided, single submitter. Criteria: GeneDx Variant Classification Process June 2021. Collection method: clinical testing. Allele origin: germline. Affected: yes.
Comment: Has been reported as a variant of uncertain significance in an individual with SIDS (PMID: 32145446); Located in exon 38, which is reported as being expressed in a brain-specific transcript (PMID: 1830053, 18790697, 26109584); In silico analysis supports that this missense variant does not alter protein structure/function; This variant is associated with the following publications: (PMID: 32145446, 1830053, 18790697, 26109584)

Ambry Genetics
Classification: Likely benign for Cardiovascular phenotype. Last evaluated: 2017-12-07. Review status: criteria provided, single submitter. Criteria: Ambry Variant Classification Scheme 2023. Collection method: clinical testing. Allele origin: germline.